The following is an entry in ClinVar:

ClinVar aggregate classification (germline): Benign. Review status: criteria provided, multiple submitters, no conflicts (2 of 4 stars). 2 submissions from 2 submitters: Benign (2). Last evaluated 2018-06-14.

Allele frequency attached by ClinVar (database versions not stated): gnomAD exomes 0.03203; gnomAD 0.12003 and 0.12536; ESP Exome Variant Server 0.12199; TOPMed 0.13364; 1000 Genomes Project 0.15595; 1000 Genomes Project 30x 0.15990.
gnomAD v4.1: 60,674 of 1,446,218 alleles (4.2%); highest among the groups gnomAD compares: African/African-American, 35%; 5,152 homozygotes.

Submissions (2):

GeneDx
Classification: Benign. Last evaluated: 2018-06-14. Review status: criteria provided, single submitter. Criteria: GeneDx Variant Classification (06012015). Collection method: clinical testing. Allele origin: germline. Affected: yes.
Comment: This variant is considered likely benign or benign based on one or more of the following criteria: it is a conservative change, it occurs at a poorly conserved position in the protein, it is predicted to be benign by multiple in silico algorithms, and/or has population frequency not consistent with disease.

Breakthrough Genomics
Classification: Benign. Review status: criteria provided, single submitter. Criteria: ACMG Guidelines, 2015. Collection method: not provided. Allele origin: germline. Inheritance: Autosomal recessive inheritance. Affected: yes.

NM_000090.4(COL3A1):c.1609-59T>C

Gene: COL3A1 (collagen type III alpha 1 chain; plus strand). Cytogenetic location: 2q32.2.
Variant type: single nucleotide variant.
Coding change: c.1609-59T>C on transcript NM_000090.4 (MANE Select); 59 bases into the intron before coding-DNA position 1609, T replaced by C.
Molecular consequence: intron variant.
Genome position (GRCh38, 1-based): chr2:188,996,066, T>C. VCF-style: chr2-188996066-T-C. GRCh37 (hg19) VCF-style: chr2-189860792-T-C.
Identifiers: ClinVar variation 673355 (VCV000673355.2), dbSNP rs13306269, ClinGen allele CA62597259.
Genomic context (GRCh38, chr2:188,996,066, plus strand): 5'-GATGTGCAAATCTGAGGCTTCACATGTAAGTGAAAATATCAAAATCATACAAATAGTGTA[T>C]GTAGTAATTTTTTATTATTTCATTTTAAATCACCTAACAACTGACTTCTTTACTTCAGGG-3'